The following is an entry in ClinVar:

NM_017547.4(FOXRED1):c.1237T>C (p.Tyr413His)

Gene: FOXRED1 (FAD dependent oxidoreductase domain containing 1; plus strand). Cytogenetic location: 11q24.2.
Variant type: single nucleotide variant.
Coding change: c.1237T>C on transcript NM_017547.4 (MANE Select); coding-DNA position 1237, T replaced by C.
Protein change: p.Tyr413His; replaces tyrosine 413 with histidine.
Molecular consequence: missense variant. On other transcripts: non-coding transcript variant (2).
Genome position (GRCh38, 1-based): chr11:126,277,465, T>C. VCF-style: chr11-126277465-T-C. GRCh37 (hg19) VCF-style: chr11-126147360-T-C.
Other names: short protein forms Y413H.
Identifiers: ClinVar variation 2229118 (VCV002229118.2), dbSNP rs1951185601, ClinGen allele CA383231398.

ClinVar aggregate classification (germline): Uncertain significance (1 of 4 stars; one submission).

Conditions:
Inborn genetic diseases. Identifiers: MedGen C0950123, MeSH D030342.

Allele frequency attached by ClinVar (database versions not stated): TOPMed 0.00001.

Submission:

Ambry Genetics
Classification: Uncertain significance for Inborn genetic diseases. Last evaluated: 2021-02-11. Review status: criteria provided, single submitter. Criteria: Ambry Variant Classification Scheme 2023. Collection method: clinical testing. Allele origin: germline.
Comment: The c.1237T>C (p.Y413H) alteration is located in exon 11 (coding exon 11) of the FOXRED1 gene. This alteration results from a T to C substitution at nucleotide position 1237, causing the tyrosine (Y) at amino acid position 413 to be replaced by a histidine (H). Based on data from the Genome Aggregation Database (gnomAD), the FOXRED1 c.1237T>C alteration was not observed, with coverage at this position. This amino acid position is highly conserved in available vertebrate species. The p.Y413H alteration is predicted to be tolerated by in silico analysis. Based on insufficient or conflicting evidence, the clinical significance of this alteration remains unclear.